The following is an entry in ClinVar:

ClinVar aggregate classification (germline): Likely pathogenic (1 of 4 stars; one submission).

Conditions:
CFAP44-related disorder. Also called: CFAP44-related condition.

Submission:

PreventionGenetics, part of Exact Sciences
Classification: Likely pathogenic for CFAP44-related condition. Last evaluated: 2025-01-06. Review status: criteria provided, single submitter. Criteria: ACMG Guidelines, 2015. Collection method: clinical testing. Allele origin: germline.
Comment: The CFAP44 c.5538delinsAAA variant is predicted to result in a frameshift and premature protein termination (p.Glu1848Lysfs*41). This variant has not been reported in a large population dataset, although a component of this variant (c.5540_5541dupAA) is reported in 0.06% of alleles in individuals of Latino descent in gnomAD. Frameshift variants in CFAP44 are expected to be pathogenic. This variant is interpreted as likely pathogenic.

NM_001164496.2(CFAP44):c.5538delinsAAA (p.Glu1848fs)

Genes: CFAP44 (cilia and flagella associated protein 44; minus strand), SPICE1-CFAP44 (SPICE1-CFAP44 readthrough (NMD candidate); minus strand). Cytogenetic location: 3q13.2.
Variant type: Indel.
Coding change: c.5538delinsAAA on transcript NM_001164496.2 (MANE Select); coding-DNA position 5538, G replaced by AAA.
Protein change: p.Glu1848fs; shifts the reading frame from glutamic acid 1848.
Molecular consequence: frameshift variant. On other transcripts: non-coding transcript variant (6).
Genome position (GRCh38, 1-based): chr3:113,291,584, C replaced by TTT on the plus strand (G replaced by AAA on the coding strand, the reverse complement: CFAP44 is on the minus strand). VCF-style: chr3-113291584-C-TTT. GRCh37 (hg19) VCF-style: chr3-113010431-C-TTT.
Other names: short protein forms E1848fs.
Identifiers: ClinVar variation 4982807 (VCV004982807.1).